The following is an entry in ClinVar:

NM_004385.5(VCAN):c.7546A>G (p.Thr2516Ala)

Genes: VCAN (versican; plus strand), VCAN-AS1 (VCAN antisense RNA 1; minus strand). Cytogenetic location: 5q14.3.
Variant type: single nucleotide variant.
Coding change: c.7546A>G on transcript NM_004385.5 (MANE Select); coding-DNA position 7546, A replaced by G.
Protein change: p.Thr2516Ala; replaces threonine 2516 with alanine.
Molecular consequence: missense variant. On other transcripts: intron variant (2).
Genome position (GRCh38, 1-based): chr5:83,540,549, A>G. VCF-style: chr5-83540549-A-G. GRCh37 (hg19) VCF-style: chr5-82836368-A-G.
Other names: c.4585A>G, p.Thr1529Ala (NM_001164097.2); c.4004-4988A>G (NM_001164098.2); c.1043-4988A>G (NM_001126336.3); c.7546A>G (NM_004385.4); short protein forms T2516A, T1529A.
Identifiers: ClinVar variation 1502531 (VCV001502531.9), dbSNP rs746235751, ClinGen allele CA3333658.

ClinVar aggregate classification (germline): Uncertain significance. Review status: criteria provided, multiple submitters, no conflicts (2 of 4 stars). 2 submissions from 2 submitters: Uncertain significance (2). Last evaluated 2025-08-01.

Conditions:
Inborn genetic diseases. Identifiers: MedGen C0950123, MeSH D030342.

Allele frequency attached by ClinVar (database versions not stated): gnomAD exomes 0.00001 and 0.00002; ExAC 0.00002; gnomAD 0.00002; TOPMed 0.00005.
gnomAD v4.1: 7 of 1,613,914 alleles (0.00043%); highest among the groups gnomAD compares: African/African-American, 0.0093%; no homozygotes.

Submissions (2):

Ambry Genetics
Classification: Uncertain significance for Inborn genetic diseases. Last evaluated: 2025-08-01. Review status: criteria provided, single submitter. Criteria: Ambry Variant Classification Scheme 2023. Collection method: clinical testing. Allele origin: germline.

Labcorp Genetics (formerly Invitae), Labcorp
Classification: Uncertain significance. Last evaluated: 2022-08-23. Review status: criteria provided, single submitter. Criteria: Invitae Variant Classification Sherloc (09022015). Collection method: clinical testing. Allele origin: germline.
Comment: In summary, the available evidence is currently insufficient to determine the role of this variant in disease. Therefore, it has been classified as a Variant of Uncertain Significance. Algorithms developed to predict the effect of missense changes on protein structure and function output the following: SIFT: "Deleterious"; PolyPhen-2: "Benign"; Align-GVGD: "Class C0". The alanine amino acid residue is found in multiple mammalian species, which suggests that this missense change does not adversely affect protein function. ClinVar contains an entry for this variant (Variation ID: 1502531). This variant has not been reported in the literature in individuals affected with VCAN-related conditions. This variant is present in population databases (rs746235751, gnomAD 0.02%). This sequence change replaces threonine, which is neutral and polar, with alanine, which is neutral and non-polar, at codon 2516 of the VCAN protein (p.Thr2516Ala).